The following is an entry in ClinVar:

NM_022051.3(EGLN1):c.295C>T (p.Arg99Cys)

Gene: EGLN1 (egl-9 family hypoxia inducible factor 1; minus strand). Cytogenetic location: 1q42.2.
Variant type: single nucleotide variant.
Coding change: c.295C>T on transcript NM_022051.3 (MANE Select); coding-DNA position 295, C replaced by T.
Protein change: p.Arg99Cys; replaces arginine 99 with cysteine.
Molecular consequence: missense variant.
Genome position (GRCh38, 1-based): chr1:231,421,594, G>A on the plus strand (C>T on the coding strand, the complement: EGLN1 is on the minus strand). VCF-style: chr1-231421594-G-A. GRCh37 (hg19) VCF-style: chr1-231557340-G-A.
Other names: c.295C>T, p.Arg99Cys (NM_001377260.1, NM_001377261.1); short protein forms R99C.
Identifiers: ClinVar variation 1347122 (VCV001347122.6), dbSNP rs2102947932, ClinGen allele CA345237900.

ClinVar aggregate classification (germline): Uncertain significance (1 of 4 stars; one submission).

Conditions:
Erythrocytosis, familial, 3 (ECYT3). Identifiers: Orphanet 247511, MedGen C1853286, MONDO:0012353, OMIM 609820.

Submission:

Labcorp Genetics (formerly Invitae), Labcorp
Classification: Uncertain significance for Erythrocytosis, familial, 3. Last evaluated: 2025-03-03. Review status: criteria provided, single submitter. Criteria: Invitae Variant Classification Sherloc (09022015). Collection method: clinical testing. Allele origin: germline.
Comment: This sequence change replaces arginine, which is basic and polar, with cysteine, which is neutral and slightly polar, at codon 99 of the EGLN1 protein (p.Arg99Cys). This variant is not present in population databases (gnomAD no frequency). This variant has not been reported in the literature in individuals affected with EGLN1-related conditions. ClinVar contains an entry for this variant (Variation ID: 1347122). An algorithm developed to predict the effect of missense changes on protein structure and function (PolyPhen-2) suggests that this variant is likely to be disruptive. In summary, the available evidence is currently insufficient to determine the role of this variant in disease. Therefore, it has been classified as a Variant of Uncertain Significance.